The following is an entry in ClinVar:

ClinVar aggregate classification (germline): Uncertain significance (1 of 4 stars; one submission).

Allele frequency attached by ClinVar (database versions not stated): TOPMed below 0.00001; gnomAD exomes 0.00001.
gnomAD v4.1: 5 of 1,614,086 alleles (0.00031%); highest among the groups gnomAD compares: Non-Finnish European, 0.00042%; no homozygotes.

Submission:

Labcorp Genetics (formerly Invitae), Labcorp
Classification: Uncertain significance. Last evaluated: 2022-07-20. Review status: criteria provided, single submitter. Criteria: Invitae Variant Classification Sherloc (09022015). Collection method: clinical testing. Allele origin: germline.
Comment: In summary, the available evidence is currently insufficient to determine the role of this variant in disease. Therefore, it has been classified as a Variant of Uncertain Significance. Variants that disrupt the consensus splice site are a relatively common cause of aberrant splicing (PMID: 17576681, 9536098). Algorithms developed to predict the effect of sequence changes on RNA splicing suggest that this variant is not likely to affect RNA splicing. This variant has not been reported in the literature in individuals affected with RPL19-related conditions. This variant is not present in population databases (gnomAD no frequency). This sequence change falls in intron 3 of the RPL19 gene. It does not directly change the encoded amino acid sequence of the RPL19 protein. It affects a nucleotide within the consensus splice site.

Literature cited by the submitters: PubMed 17576681; PubMed 9536098.

NM_000981.4(RPL19):c.235+3A>G

Gene: RPL19 (ribosomal protein L19; plus strand). Cytogenetic location: 17q12.
Variant type: single nucleotide variant.
Coding change: c.235+3A>G on transcript NM_000981.4 (MANE Select); 3 bases into the intron after coding-DNA position 235, A replaced by G.
Molecular consequence: intron variant.
Genome position (GRCh38, 1-based): chr17:39,202,442, A>G. VCF-style: chr17-39202442-A-G. GRCh37 (hg19) VCF-style: chr17-37358695-A-G.
Other names: c.229+3A>G (NM_001330200.1).
Identifiers: ClinVar variation 2169998 (VCV002169998.4), dbSNP rs1278835562, ClinGen allele CA771843090.
Genomic context (GRCh38, chr17:39,202,442, plus strand): 5'-CGGGCTCGATGCCGGAAAAACACCTTGGCCCGCCGGAAGGGCAGGCACATGGGCATAGGT[A>G]AGTGTGGTCATCTTCTCCTTAAGAAATGATAGGTGCTGGCATCTATGCTGAAATATATTC-3'